The following is an entry in ClinVar:

ClinVar aggregate classification (germline): Conflicting classifications of pathogenicity. Review status: criteria provided, conflicting classifications (1 of 4 stars). 3 submissions from 3 submitters: Uncertain significance (1); Likely benign (1). 1 of the submissions does not count toward it. Last evaluated 2024-07-22.

Conditions:
SNRNP200-related disorder. Also called: SNRNP200-related condition.

Allele frequency attached by ClinVar (database versions not stated): gnomAD 0.00001; gnomAD exomes 0.00001; TOPMed 0.00002; ESP Exome Variant Server 0.00008.
gnomAD v4.1: 7 of 1,614,054 alleles (0.00043%); highest among the groups gnomAD compares: African/African-American, 0.0027%; no homozygotes.

Submissions (3):

Labcorp Genetics (formerly Invitae), Labcorp
Classification: Likely benign. Last evaluated: 2024-07-22. Review status: criteria provided, single submitter. Criteria: Invitae Variant Classification Sherloc (09022015). Collection method: clinical testing. Allele origin: germline.

Breakthrough Genomics
Classification: Uncertain significance. Review status: criteria provided, single submitter. Criteria: ACMG Guidelines, 2015. Collection method: not provided. Allele origin: germline. Inheritance: Unknown mechanism. Affected: yes.

PreventionGenetics, part of Exact Sciences
Classification: Likely benign for SNRNP200-related condition. Last evaluated: 2019-04-09. Review status: no assertion criteria provided. Collection method: clinical testing. Allele origin: germline. Not counted in ClinVar's aggregate classification.
Comment: This variant is classified as likely benign based on ACMG/AMP sequence variant interpretation guidelines (Richards et al. 2015 PMID: 25741868, with internal and published modifications).

NM_014014.5(SNRNP200):c.885G>A (p.Thr295=)

Gene: SNRNP200 (small nuclear ribonucleoprotein U5 subunit 200; minus strand). Cytogenetic location: 2q11.2.
Variant type: single nucleotide variant.
Coding change: c.885G>A on transcript NM_014014.5 (MANE Select); coding-DNA position 885, G replaced by A.
Protein change: p.Thr295=; no amino-acid change (threonine 295 retained).
Molecular consequence: synonymous variant.
Genome position (GRCh38, 1-based): chr2:96,298,700, C>T on the plus strand (G>A on the coding strand, the complement: SNRNP200 is on the minus strand). VCF-style: chr2-96298700-C-T. GRCh37 (hg19) VCF-style: chr2-96964438-C-T.
Other names: c.885G>A (NM_014014.4).
Identifiers: ClinVar variation 1357622 (VCV001357622.10), dbSNP rs138992215, ClinGen allele CA52404600.